The following is an entry in ClinVar:

ClinVar aggregate classification (germline): Uncertain significance (1 of 4 stars; one submission).

Conditions:
Luscan-Lumish syndrome. Identifiers: Orphanet 597738, MedGen C4085873, MONDO:0014791, OMIM 616831.

Submission:

Labcorp Genetics (formerly Invitae), Labcorp
Classification: Uncertain significance for Luscan-Lumish syndrome. Last evaluated: 2023-08-17. Review status: criteria provided, single submitter. Criteria: Invitae Variant Classification Sherloc (09022015). Collection method: clinical testing. Allele origin: germline.
Comment: This variant is not present in population databases (gnomAD no frequency). In summary, the available evidence is currently insufficient to determine the role of this variant in disease. Therefore, it has been classified as a Variant of Uncertain Significance. Advanced modeling of protein sequence and biophysical properties (such as structural, functional, and spatial information, amino acid conservation, physicochemical variation, residue mobility, and thermodynamic stability) performed at Invitae indicates that this missense variant is not expected to disrupt SETD2 protein function. ClinVar contains an entry for this variant (Variation ID: 1997689). This variant has not been reported in the literature in individuals affected with SETD2-related conditions. This sequence change replaces valine, which is neutral and non-polar, with glycine, which is neutral and non-polar, at codon 1427 of the SETD2 protein (p.Val1427Gly).

NM_014159.7(SETD2):c.4280T>G (p.Val1427Gly)

Gene: SETD2 (SET domain containing 2, histone lysine methyltransferase; minus strand). Cytogenetic location: 3p21.31.
Variant type: single nucleotide variant.
Coding change: c.4280T>G on transcript NM_014159.7 (MANE Select); coding-DNA position 4280, T replaced by G.
Protein change: p.Val1427Gly; replaces valine 1427 with glycine.
Molecular consequence: missense variant. On other transcripts: non-coding transcript variant (1).
Genome position (GRCh38, 1-based): chr3:47,120,356, A>C on the plus strand (T>G on the coding strand, the complement: SETD2 is on the minus strand). VCF-style: chr3-47120356-A-C. GRCh37 (hg19) VCF-style: chr3-47161846-A-C.
Other names: c.4148T>G, p.Val1383Gly (NM_001349370.3); short protein forms V1427G, V1383G.
Identifiers: ClinVar variation 1997689 (VCV001997689.4), dbSNP rs1559741136, ClinGen allele CA352517884.
Genomic context (GRCh38, chr3:47,120,356, plus strand): 5'-GGCCCAACCAGTGCTGAACCTGGGGGCACTGATGTCTCTCCCTGCTCTACCTCCACTCTA[A>C]CTTTCTTTCTGTCCTGAAGCTCACCATCACTTTCAGAATCACTCTCTATTTCCTGCCTCC-3'
Protein context (NP_054878.5, residues 1417-1437): SDGELQDRKK[Val1427Gly]RVEVEQGETS